The following is an entry in ClinVar:

NM_002691.4(POLD1):c.2888C>T (p.Ala963Val)

Gene: POLD1 (DNA polymerase delta 1, catalytic subunit; plus strand). Cytogenetic location: 19q13.33.
Variant type: single nucleotide variant.
Coding change: c.2888C>T on transcript NM_002691.4 (MANE Select); coding-DNA position 2888, C replaced by T.
Protein change: p.Ala963Val; replaces alanine 963 with valine.
Molecular consequence: missense variant. On other transcripts: non-coding transcript variant (1).
Genome position (GRCh38, 1-based): chr19:50,416,463, C>T. VCF-style: chr19-50416463-C-T. GRCh37 (hg19) VCF-style: chr19-50919720-C-T.
Other names: c.2888C>T, p.Ala963Val (NM_001256849.1); c.2966C>T, p.Ala989Val (NM_001308632.1); short protein forms A963V, A989V.
Identifiers: ClinVar variation 537053 (VCV000537053.10), dbSNP rs754416243, ClinGen allele CA9596682.

ClinVar aggregate classification (germline): Conflicting classifications of pathogenicity. Review status: criteria provided, conflicting classifications (1 of 4 stars). 2 submissions from 2 submitters: Uncertain significance (1); Likely benign (1). Last evaluated 2025-12-15.

Conditions:
Hereditary cancer-predisposing syndrome. Also called: Tumor predisposition; Neoplastic Syndromes, Hereditary; Hereditary Cancer Syndrome; Hereditary neoplastic syndrome. Identifiers: Orphanet 140162, MedGen C0027672, MeSH D009386, MONDO:0015356.
POLD1-related polyposis and colorectal cancer syndrome (CRCS10). Also called: Colorectal cancer 10; COLORECTAL CANCER, SUSCEPTIBILITY TO, ON CHROMOSOME 19q; Colorectal cancer, susceptibility to, 10. Identifiers: Orphanet 220460, MedGen C2675481, MONDO:0012953, OMIM 612591.

Allele frequency attached by ClinVar (database versions not stated): gnomAD exomes 0.00002 and 0.00004; ExAC 0.00011.
gnomAD v4.1: 11 of 1,550,304 alleles (0.00071%); highest among the groups gnomAD compares: South Asian, 0.013%; no homozygotes.

Submissions (2):

Labcorp Genetics (formerly Invitae), Labcorp
Classification: Uncertain significance for POLD1-related polyposis and colorectal cancer syndrome. Last evaluated: 2025-12-15. Review status: criteria provided, single submitter. Criteria: Invitae Variant Classification Sherloc (09022015). Collection method: clinical testing. Allele origin: germline.
Comment: This sequence change replaces alanine, which is neutral and non-polar, with valine, which is neutral and non-polar, at codon 963 of the POLD1 protein (p.Ala963Val). This variant is present in population databases (rs754416243, gnomAD 0.03%). This variant has not been reported in the literature in individuals affected with POLD1-related conditions. ClinVar contains an entry for this variant (Variation ID: 537053). Invitae Evidence Modeling of protein sequence and biophysical properties (such as structural, functional, and spatial information, amino acid conservation, physicochemical variation, residue mobility, and thermodynamic stability) indicates that this missense variant is not expected to disrupt POLD1 protein function with a negative predictive value of 80%. In summary, the available evidence is currently insufficient to determine the role of this variant in disease. Therefore, it has been classified as a Variant of Uncertain Significance.

Ambry Genetics
Classification: Likely benign for Hereditary cancer-predisposing syndrome. Last evaluated: 2024-10-17. Review status: criteria provided, single submitter. Criteria: Ambry Variant Classification Scheme 2023. Collection method: clinical testing. Allele origin: germline.